The following is an entry in ClinVar:

ClinVar aggregate classification (germline): Uncertain significance. Review status: criteria provided, multiple submitters, no conflicts (2 of 4 stars). 2 submissions from 2 submitters: Uncertain significance (2). Last evaluated 2022-10-05.

Conditions:
Neuropathy, hereditary sensory and autonomic, type 2A (HSAN2A). Also called: ACROOSTEOLYSIS, GIACCAI TYPE; ACROOSTEOLYSIS, NEUROGENIC; HSAN IIA; WNK1-Related HSAN2 (HSAN2A); MORVAN DISEASE; NEUROPATHY, CONGENITAL SENSORY. Identifiers: Orphanet 970, MedGen C2752089, MONDO:0024309, OMIM 201300.
Pseudohypoaldosteronism type 2C (PHA2C). Also called: Pseudohypoaldosteronism Type IIC. Identifiers: Orphanet 757, Orphanet 88940, MedGen C1840391, MONDO:0013778, OMIM 614492.

Allele frequency attached by ClinVar (database versions not stated): TOPMed below 0.00001.
gnomAD v4.1: 12 of 1,405,556 alleles (0.00085%); highest among the groups gnomAD compares: Non-Finnish European, 0.001%; no homozygotes.

Submissions (2):

Labcorp Genetics (formerly Invitae), Labcorp
Classification: Uncertain significance for Neuropathy, hereditary sensory and autonomic, type 2A; Pseudohypoaldosteronism type 2C. Last evaluated: 2022-10-05. Review status: criteria provided, single submitter. Criteria: Invitae Variant Classification Sherloc (09022015). Collection method: clinical testing. Allele origin: germline.
Comment: In summary, the available evidence is currently insufficient to determine the role of this variant in disease. Therefore, it has been classified as a Variant of Uncertain Significance. Advanced modeling of protein sequence and biophysical properties (such as structural, functional, and spatial information, amino acid conservation, physicochemical variation, residue mobility, and thermodynamic stability) performed at Invitae indicates that this missense variant is not expected to disrupt WNK1 protein function. ClinVar contains an entry for this variant (Variation ID: 306665). This variant has not been reported in the literature in individuals affected with WNK1-related conditions. This variant is present in population databases (rs531919850, gnomAD 0.004%). This sequence change replaces arginine, which is basic and polar, with glutamine, which is neutral and polar, at codon 2632 of the WNK1 protein (p.Arg2632Gln).

Illumina Laboratory Services, Illumina
Classification: Uncertain significance for Pseudohypoaldosteronism type 2C. Last evaluated: 2018-01-13. Review status: criteria provided, single submitter. Criteria: ICSL Variant Classification Criteria 13 December 2019. Collection method: clinical testing. Allele origin: germline.

NM_018979.4(WNK1):c.7139G>A (p.Arg2380Gln)

Gene: WNK1 (WNK lysine deficient protein kinase 1; plus strand). Cytogenetic location: 12p13.33.
Variant type: single nucleotide variant.
Coding change: c.7139G>A on transcript NM_018979.4 (MANE Select); coding-DNA position 7139, G replaced by A.
Protein change: p.Arg2380Gln; replaces arginine 2380 with glutamine.
Molecular consequence: missense variant.
Genome position (GRCh38, 1-based): chr12:908,782, G>A. VCF-style: chr12-908782-G-A. GRCh37 (hg19) VCF-style: chr12-1017948-G-A.
Other names: c.7919G>A, p.Arg2640Gln (NM_001184985.2); c.6395G>A, p.Arg2132Gln (NM_014823.3); c.7895G>A, p.Arg2632Gln (NM_213655.5); short protein forms R2380Q, R2632Q, R2132Q, R2640Q.
Identifiers: ClinVar variation 306665 (VCV000306665.9), dbSNP rs531919850, ClinGen allele CA10638740.